The following is an entry in ClinVar:

NM_005589.4(ALDH6A1):c.592A>C (p.Met198Leu)

Genes: BBOF1 (basal body orientation factor 1; plus strand), ALDH6A1 (aldehyde dehydrogenase 6 family member A1; minus strand). Cytogenetic location: 14q24.3.
Variant type: single nucleotide variant.
Coding change: c.592A>C on transcript NM_005589.4 (MANE Select); coding-DNA position 592, A replaced by C.
Protein change: p.Met198Leu; replaces methionine 198 with leucine.
Molecular consequence: missense variant.
Genome position (GRCh38, 1-based): chr14:74,071,333, T>G on the plus strand (A>C on the coding strand, the complement: ALDH6A1 is on the minus strand). VCF-style: chr14-74071333-T-G. GRCh37 (hg19) VCF-style: chr14-74538036-T-G.
Other names: c.553A>C, p.Met185Leu (NM_001278593.2); c.130A>C, p.Met44Leu (NM_001278594.2); short protein forms M185L, M198L, M44L.
Identifiers: ClinVar variation 1927489 (VCV001927489.2), dbSNP rs752923793, ClinGen allele CA7265817.

ClinVar aggregate classification (germline): Uncertain significance (1 of 4 stars; one submission).

Allele frequency attached by ClinVar (database versions not stated): ExAC 0.00001; gnomAD 0.00001.
gnomAD v4.1: 3 of 1,614,014 alleles (0.00019%); highest among the groups gnomAD compares: Admixed American, 0.005%; no homozygotes.

Submission:

Labcorp Genetics (formerly Invitae), Labcorp
Classification: Uncertain significance. Last evaluated: 2022-08-21. Review status: criteria provided, single submitter. Criteria: Invitae Variant Classification Sherloc (09022015). Collection method: clinical testing. Allele origin: germline.
Comment: This sequence change replaces methionine, which is neutral and non-polar, with leucine, which is neutral and non-polar, at codon 198 of the ALDH6A1 protein (p.Met198Leu). This variant is present in population databases (rs752923793, gnomAD 0.006%). This variant has not been reported in the literature in individuals affected with ALDH6A1-related conditions. Advanced modeling of protein sequence and biophysical properties (such as structural, functional, and spatial information, amino acid conservation, physicochemical variation, residue mobility, and thermodynamic stability) performed at Invitae indicates that this missense variant is not expected to disrupt ALDH6A1 protein function. In summary, the available evidence is currently insufficient to determine the role of this variant in disease. Therefore, it has been classified as a Variant of Uncertain Significance.